The following is an entry in ClinVar:

ClinVar aggregate classification (germline): Likely pathogenic (1 of 4 stars; one submission).

Allele frequency attached by ClinVar (database versions not stated): gnomAD exomes below 0.00001.
gnomAD v4.1: 1 of 1,613,980 alleles (0.000062%); highest among the groups gnomAD compares: Non-Finnish European, 0.000085%; no homozygotes.

Submission:

Labcorp Genetics (formerly Invitae), Labcorp
Classification: Likely pathogenic. Last evaluated: 2023-07-18. Review status: criteria provided, single submitter. Criteria: Invitae Variant Classification Sherloc (09022015). Collection method: clinical testing. Allele origin: germline.
Comment: This variant has not been reported in the literature in individuals affected with COL7A1-related conditions. This sequence change affects an acceptor splice site in intron 46 of the COL7A1 gene. It is expected to disrupt RNA splicing. Variants that disrupt the donor or acceptor splice site typically lead to a loss of protein function (PMID: 16199547), and loss-of-function variants in COL7A1 are known to be pathogenic (PMID: 16971478). This variant is not present in population databases (gnomAD no frequency). Algorithms developed to predict the effect of sequence changes on RNA splicing suggest that this variant may disrupt the consensus splice site. In summary, the currently available evidence indicates that the variant is pathogenic, but additional data are needed to prove that conclusively. Therefore, this variant has been classified as Likely Pathogenic.

Literature cited by the submitters: PubMed 16199547; PubMed 16971478.

NM_000094.4(COL7A1):c.4636-2A>G

Gene: COL7A1 (collagen type VII alpha 1 chain; minus strand). Cytogenetic location: 3p21.31.
Variant type: single nucleotide variant.
Coding change: c.4636-2A>G on transcript NM_000094.4 (MANE Select); the canonical splice acceptor site of the intron before coding-DNA position 4636, A replaced by G.
Molecular consequence: splice acceptor variant.
Genome position (GRCh38, 1-based): chr3:48,581,945, T>C on the plus strand (A>G on the coding strand, the complement: COL7A1 is on the minus strand). VCF-style: chr3-48581945-T-C. GRCh37 (hg19) VCF-style: chr3-48619378-T-C.
Identifiers: ClinVar variation 2744686 (VCV002744686.3), dbSNP rs2531114421, ClinGen allele CA352686723.
Genomic context (GRCh38, chr3:48,581,945, plus strand): 5'-CTCCCCTTGCCCCATACCAGGCTTACCTTTTCTCCTTTGGGTCCAGCAACAGCAGGTCCC[T>C]GAAAACAAACAGGACAGATACAGCTTGGCCCTGCCTTGGGGTTGTATGATCAAAGTCTTC-3'